The following is an entry in ClinVar:

NM_005996.4(TBX3):c.1474TTC[1] (p.Phe493del)

Gene: TBX3 (T-box transcription factor 3; minus strand). Cytogenetic location: 12q24.21.
Variant type: Microsatellite.
Coding change: c.1474TTC[1] on transcript NM_005996.4 (MANE Select); one copy of the 3-base unit TTC starting at c.1474; the reference has two copies in a row; one copy, 3 bases deleted.
Protein change: p.Phe493del; deletes phenylalanine 493.
Molecular consequence: inframe deletion.
Genome position (GRCh38, 1-based): chr12:114,674,396-114,674,398, GAA deleted on the plus strand (TTC on the coding strand, the reverse complement: TBX3 is on the minus strand); deleting any 3 consecutive bases within chr12:114,674,396-114,674,401 gives the same sequence; the position shown is the placement nearest the transcript's 3' end. VCF-style (leftmost placement, unchanged base first): chr12-114674395-TGAA-T. GRCh37 (hg19) VCF-style: chr12-115112200-TGAA-T.
Other names: c.1534TTC[1], p.Phe513del (NM_016569.4); short protein forms F493del, F513del.
Identifiers: ClinVar variation 1310062 (VCV001310062.2), dbSNP rs2121382869, ClinGen allele CA2580614569.

ClinVar aggregate classification (germline): Uncertain significance (1 of 4 stars; one submission).

Submission:

GeneDx
Classification: Uncertain significance. Last evaluated: 2019-11-11. Review status: criteria provided, single submitter. Criteria: GeneDx Variant Classification Process June 2021. Collection method: clinical testing. Allele origin: germline. Affected: yes.
Comment: Not observed in large population cohorts (Lek et al., 2016); In-frame deletion of 1 amino acids in a non-repeat region; In silico analysis, which includes protein predictors and evolutionary conservation, supports a deleterious effect; Has not been previously published as pathogenic or benign to our knowledge